The following is an entry in ClinVar:

ClinVar aggregate classification (germline): Pathogenic/Likely pathogenic. Review status: criteria provided, multiple submitters, no conflicts (2 of 4 stars). 2 submissions from 2 submitters: Pathogenic (1); Likely pathogenic (1). Last evaluated 2026-07-01.

Conditions:
Glycogen storage disease, type II (IOPD). Also called: CARDIOMEGALIA GLYCOGENICA DIFFUSA; GLYCOGENOSIS, GENERALIZED, CARDIAC FORM; GSD II; Glycogen storage disease type 2; Acid maltase deficiency disease; Aglucosidase alfa. Identifiers: Orphanet 365, MedGen C0017921, MONDO:0009290, OMIM 232300.

gnomAD v4.1: 1 of 1,612,770 alleles (0.000062%); highest among the groups gnomAD compares: Non-Finnish European, 0.000085%; no homozygotes.

Submissions (2):

Genomenon, Inc
Classification: Likely pathogenic for Glycogen storage disease, type II. Last evaluated: 2026-07-01. Review status: criteria provided, single submitter. Criteria: Genomenon Sequence Variant Interpretation Standards - Updated. Collection method: curation. Allele origin: germline. Affected: yes.
Comment: GAA p.Ala610Val (c.1829C>T) is a missense variant that changes the amino acid at codon 610 from Alanine to Valine. This variant has been observed in at least one proband with a GAA-related disorder in the compound heterozygous and/or homozygous state (PMID:31545528;27189384;17573812;21484825;25455803). At least one functional study has demonstrated a substantial alteration in protein function relative to the wild-type (PMID:19862843;22990675). It is absent or not present at a significant frequency in gnomAD. In conclusion, we classify GAA p.Ala610Val (c.1829C>T) as a likely pathogenic variant.

Women's Health and Genetics/Laboratory Corporation of America, LabCorp
Classification: Pathogenic for Glycogen storage disease, type II. Last evaluated: 2025-05-28. Review status: criteria provided, single submitter. Criteria: LabCorp Variant Classification Summary - May 2015. Collection method: clinical testing. Allele origin: germline.
Comment: Variant summary: GAA c.1829C>T (p.Ala610Val) results in a non-conservative amino acid change in the encoded protein sequence. Algorithms developed to predict the effect of missense changes on protein structure and function are either unavailable or do not agree on the potential impact of this missense change. The variant was absent in 246008 control chromosomes (gnomAD). c.1829C>T has been observed in individuals affected with Glycogen Storage Disease, Type 2 (Pompe Disease)(e.g., Muller_Felber_2007, Bali_2011, van Capelle_2016, Kulessa_2020). These data indicate that the variant is likely to be associated with disease. At least one publication reports experimental evidence evaluating an impact on protein function. The most pronounced variant effect results in <1% of normal activity (Flanagan_2009). The following publications have been ascertained in the context of this evaluation (PMID: 17643989, 19862843, 21484825, 27189384, 31545528). No submitters have cited clinical-significance assessments for this variant to ClinVar. Based on the evidence outlined above, the variant was classified as pathogenic.

Literature cited by the submitters: PubMed 31545528 (cited by Genomenon, Inc and Women's Health and Genetics/Laboratory Corporation of America, LabCorp); PubMed 27189384 (cited by Genomenon, Inc and Women's Health and Genetics/Laboratory Corporation of America, LabCorp); PubMed 17573812 (cited by Genomenon, Inc); PubMed 21484825 (cited by Genomenon, Inc and Women's Health and Genetics/Laboratory Corporation of America, LabCorp); PubMed 25455803 (cited by Genomenon, Inc); PubMed 19862843 (cited by Genomenon, Inc and Women's Health and Genetics/Laboratory Corporation of America, LabCorp); PubMed 22990675 (cited by Genomenon, Inc); PubMed 17643989 (cited by Women's Health and Genetics/Laboratory Corporation of America, LabCorp).

NM_000152.5(GAA):c.1829C>T (p.Ala610Val)

Gene: GAA (alpha glucosidase; plus strand). Cytogenetic location: 17q25.3.
Variant type: single nucleotide variant.
Coding change: c.1829C>T on transcript NM_000152.5 (MANE Select); coding-DNA position 1829, C replaced by T.
Protein change: p.Ala610Val; replaces alanine 610 with valine.
Molecular consequence: missense variant.
Genome position (GRCh38, 1-based): chr17:80,112,652, C>T. VCF-style: chr17-80112652-C-T. GRCh37 (hg19) VCF-style: chr17-78086451-C-T.
Other names: c.1829C>T, p.Ala610Val (NM_001079803.3, NM_001079804.3, NM_001406741.1 and 1 more transcripts); short protein forms A610V.
Identifiers: ClinVar variation 3902630 (VCV003902630.2).